The following is an entry in ClinVar:

ClinVar aggregate classification (germline): Benign (1 of 4 stars; one submission).

Conditions:
Juvenile polyposis/hereditary hemorrhagic telangiectasia syndrome (JPHT). Also called: JP/HHT SYNDROME; JUVENILE POLYPOSIS WITH HEREDITARY HEMORRHAGIC TELANGIECTASIA; POLYPOSIS, GENERALIZED JUVENILE, WITH PULMONARY ARTERIOVENOUS MALFORMATION; TELANGIECTASIA, HEREDITARY HEMORRHAGIC, WITH JUVENILE POLYPOSIS COLI; Juvenile Polyposis Syndrome / Hereditary Hemorrhagic Telangiectasia (JPS/HHT). Identifiers: Orphanet 2929, MedGen C1832942, MONDO:0008278, OMIM 175050.

Submission:

Myriad Genetics, Inc.
Classification: Benign for Juvenile polyposis/hereditary hemorrhagic telangiectasia syndrome. Last evaluated: 2025-03-19. Review status: criteria provided, single submitter. Criteria: Myriad Autosomal Dominant, Autosomal Recessive and X-Linked Classification Criteria (2023). Collection method: clinical testing. Allele origin: unknown.
Comment: This variant is considered benign. This variant is a silent/synonymous amino acid change and it is not expected to impact splicing.

NM_005359.6(SMAD4):c.633T>G (p.Thr211=)

Gene: SMAD4 (SMAD family member 4; plus strand). Cytogenetic location: 18q21.2.
Variant type: single nucleotide variant.
Coding change: c.633T>G on transcript NM_005359.6 (MANE Select); coding-DNA position 633, T replaced by G.
Protein change: p.Thr211=; no amino-acid change (threonine 211 retained).
Molecular consequence: synonymous variant. On other transcripts: non-coding transcript variant (2).
Genome position (GRCh38, 1-based): chr18:51,054,959, T>G. VCF-style: chr18-51054959-T-G. GRCh37 (hg19) VCF-style: chr18-48581329-T-G.
Other names: c.633T>G, p.Thr211= (NM_001407041.1, NM_001407042.1, NM_001407043.1).
Identifiers: ClinVar variation 3904181 (VCV003904181.1).
Genomic context (GRCh38, chr18:51,054,959, plus strand): 5'-GACAGAGACATACAGCACCCCAGCTCTGTTAGCCCCATCTGAGTCTAATGCTACCAGCAC[T>G]GCCAACTTTCCCAACATTCCTGTGGCTTCCACAAGTGAGTTCTAGAATCAGATGTAGTCA-3'
Protein context (NP_005350.1, residues 201-221): LAPSESNATS[Thr211=]ANFPNIPVAS